The following is an entry in ClinVar:

ClinVar aggregate classification (germline): Pathogenic (1 of 4 stars; one submission).

Submission:

Labcorp Genetics (formerly Invitae), Labcorp
Classification: Pathogenic. Last evaluated: 2022-10-24. Review status: criteria provided, single submitter. Criteria: Invitae Variant Classification Sherloc (09022015). Collection method: clinical testing. Allele origin: germline.
Comment: This variant is not present in population databases (gnomAD no frequency). This sequence change creates a premature translational stop signal (p.Arg432Asnfs*12) in the HELLS gene. It is expected to result in an absent or disrupted protein product. Loss-of-function variants in HELLS are known to be pathogenic (PMID: 26216346). This variant has not been reported in the literature in individuals affected with HELLS-related conditions. For these reasons, this variant has been classified as Pathogenic. Algorithms developed to predict the effect of sequence changes on RNA splicing suggest that this variant may disrupt the consensus splice site.

Literature cited by the submitters: PubMed 26216346.

NM_018063.5(HELLS):c.1293_1296del (p.Arg432fs)

Gene: HELLS (helicase, lymphoid specific; plus strand). Cytogenetic location: 10q23.33.
Variant type: Microsatellite.
Coding change: c.1293_1296del on transcript NM_018063.5 (MANE Select); coding-DNA positions 1293 to 1296, 4 bases deleted (AAGA; older notation c.1293_1296delAAGA).
Protein change: p.Arg432fs; shifts the reading frame from arginine 432.
Molecular consequence: frameshift variant. On other transcripts: intron variant (2).
Genome position (GRCh38, 1-based): chr10:94,583,026-94,583,029, AAGA deleted; deleting any 4 consecutive bases within chr10:94,583,021-94,583,029 gives the same sequence; the c. name uses the placement nearest the transcript's 3' end. VCF-style (leftmost placement, unchanged base first): chr10-94583020-TAAAG-T. GRCh37 (hg19) VCF-style: chr10-96342777-TAAAG-T.
Other names: c.1293_1296del, p.Arg432fs (NM_001289067.2); c.1245_1248del, p.Arg416fs (NM_001289068.2); c.1197_1200del, p.Arg400fs (NM_001289069.2); c.921_924del, p.Arg308fs (NM_001289071.2); c.879_882del, p.Arg294fs (NM_001289073.2); c.210_213del, p.Arg71fs (NM_001289074.2); c.75_78del, p.Arg26fs (NM_001289075.2); c.1033-5203_1033-5200del (NM_001289070.2); and 1 more; short protein forms R294fs, R416fs, R71fs, R308fs, R26fs, R400fs, R432fs.
Identifiers: ClinVar variation 2091915 (VCV002091915.4), dbSNP rs2493227029, ClinGen allele CA2580615583.